The following is an entry in ClinVar:

ClinVar aggregate classification (germline): Uncertain significance (1 of 4 stars; one submission).

gnomAD v4.1: 14 of 1,614,156 alleles (0.00087%); highest among the groups gnomAD compares: Non-Finnish European, 0.0012%; no homozygotes.

Submission:

Ambry Genetics
Classification: Uncertain significance. Last evaluated: 2023-08-30. Review status: criteria provided, single submitter. Criteria: Ambry Variant Classification Scheme 2023. Collection method: clinical testing. Allele origin: germline.
Comment: The p.Q586H variant (also known as c.1758G>C), located in coding exon 9 of the PALLD gene, results from a G to C substitution at nucleotide position 1758. The glutamine at codon 586 is replaced by histidine, an amino acid with highly similar properties. This amino acid position is conserved. In addition, this alteration is predicted to be tolerated by in silico analysis. Since supporting evidence is limited at this time, the clinical significance of this alteration remains unclear.

NM_001166108.2(PALLD):c.1758G>C (p.Gln586His)

Gene: PALLD (palladin, cytoskeletal associated protein; plus strand). Cytogenetic location: 4q32.3.
Variant type: single nucleotide variant.
Coding change: c.1758G>C on transcript NM_001166108.2 (MANE Select); coding-DNA position 1758, G replaced by C.
Protein change: p.Gln586His; replaces glutamine 586 with histidine.
Molecular consequence: missense variant.
Genome position (GRCh38, 1-based): chr4:168,711,717, G>C. VCF-style: chr4-168711717-G-C. GRCh37 (hg19) VCF-style: chr4-169632868-G-C.
Other names: c.612G>C, p.Gln204His (NM_001166109.2); c.1758G>C, p.Gln586His (NM_016081.4); short protein forms Q204H, Q586H.
Identifiers: ClinVar variation 1779516 (VCV001779516.3), dbSNP rs774580949, ClinGen allele CA3135721.